The following is an entry in ClinVar:

ClinVar aggregate classification (germline): Pathogenic. Review status: criteria provided, single submitter (1 of 4 stars). 2 submissions from 2 submitters: Pathogenic (1). 1 of the submissions does not count toward it. Last evaluated 2024-12-26.

Conditions:
Bethlem myopathy 1A. Also called: MYOPATHY, BENIGN CONGENITAL, WITH CONTRACTURES; Bethlem Muscular Dystrophy; Bethlem myopathy 1. Identifiers: Orphanet 610, MedGen CN029274, MONDO:0024530, OMIM 158810.
Ullrich congenital muscular dystrophy 1A. Also called: Ullrich congenital muscular dystrophy 1; Intermediate COL6-RD. Identifiers: Orphanet 75840, MedGen C0410179, MONDO:0009681, OMIM 254090.

Submissions (2):

Labcorp Genetics (formerly Invitae), Labcorp
Classification: Pathogenic for Bethlem myopathy 1A. Last evaluated: 2024-12-26. Review status: criteria provided, single submitter. Criteria: Invitae Variant Classification Sherloc (09022015). Collection method: clinical testing. Allele origin: germline.
Comment: This sequence change replaces glycine, which is neutral and non-polar, with aspartic acid, which is acidic and polar, at codon 2053 of the COL6A3 protein (p.Gly2053Asp). This variant is not present in population databases (gnomAD no frequency). This missense change has been observed in individual(s) with autosomal dominant congenital muscular dystrophy (PMID: 29419890). In at least one individual the variant was observed to be de novo. ClinVar contains an entry for this variant (Variation ID: 2578456). An algorithm developed to predict the effect of missense changes on protein structure and function (PolyPhen-2) suggests that this variant is likely to be disruptive. This variant disrupts the triple helix domain of COL6A3. Glycine residues within the Gly-Xaa-Yaa repeats of the triple helix domain are required for the structure and stability of fibrillar collagens (PMID: 7695699, 8218237, 19344236). In COL6A3, missense variants at these glycine residues are significantly enriched in individuals with autosomal dominant disease (PMID: 15689448, 24038877) compared to the general population (ExAC). For these reasons, this variant has been classified as Pathogenic.

Institute of Human Genetics, University of Wuerzburg
Classification: Likely pathogenic for Ullrich congenital muscular dystrophy 1A. Review status: no assertion criteria provided. Collection method: clinical testing. Allele origin: unknown. Affected: yes. Observed: 1 variant allele. Not counted in ClinVar's aggregate classification.

Literature cited by the submitters: PubMed 29419890 (cited by Labcorp Genetics (formerly Invitae), Labcorp); PubMed 7695699 (cited by Labcorp Genetics (formerly Invitae), Labcorp); PubMed 8218237 (cited by Labcorp Genetics (formerly Invitae), Labcorp); PubMed 19344236 (cited by Labcorp Genetics (formerly Invitae), Labcorp); PubMed 15689448 (cited by Labcorp Genetics (formerly Invitae), Labcorp); PubMed 24038877 (cited by Labcorp Genetics (formerly Invitae), Labcorp).

NM_004369.4(COL6A3):c.6158G>A (p.Gly2053Asp)

Gene: COL6A3 (collagen type VI alpha 3 chain; minus strand). Cytogenetic location: 2q37.3.
Variant type: single nucleotide variant.
Coding change: c.6158G>A on transcript NM_004369.4 (MANE Select); coding-DNA position 6158, G replaced by A.
Protein change: p.Gly2053Asp; replaces glycine 2053 with aspartic acid.
Molecular consequence: missense variant.
Genome position (GRCh38, 1-based): chr2:237,361,173, C>T on the plus strand (G>A on the coding strand, the complement: COL6A3 is on the minus strand). VCF-style: chr2-237361173-C-T. GRCh37 (hg19) VCF-style: chr2-238269816-C-T.
Other names: c.4337G>A, p.Gly1446Asp (NM_057166.5); c.5540G>A, p.Gly1847Asp (NM_057167.4); short protein forms G1446D, G1847D, G2053D.
Identifiers: ClinVar variation 2578456 (VCV002578456.4), dbSNP rs886041329, ClinGen allele CA351217575.